The following is an entry in ClinVar:

ClinVar aggregate classification (germline): Pathogenic (1 of 4 stars; one submission).

Conditions:
Inborn genetic diseases. Identifiers: MedGen C0950123, MeSH D030342.

Submission:

Ambry Genetics
Classification: Pathogenic for Inborn genetic diseases. Last evaluated: 2021-09-23. Review status: criteria provided, single submitter. Criteria: Ambry Variant Classification Scheme 2023. Collection method: clinical testing. Allele origin: germline.
Comment: The c.1615delT (p.C539Afs*10) alteration, located in exon 9 (coding exon 6) of the ZMYM2 gene, consists of a deletion of one nucleotide at position 1615, causing a translational frameshift with a predicted alternate stop codon after 10 amino acids. This alteration is expected to result in loss of function by premature protein truncation or nonsense-mediated mRNA decay This variant was not reported in population-based cohorts in the Genome Aggregation Database (gnomAD). Based on the available evidence, this alteration is classified as pathogenic.

NM_197968.4(ZMYM2):c.1615del (p.Cys539fs)

Gene: ZMYM2 (zinc finger MYM-type containing 2; plus strand). Cytogenetic location: 13q12.11.
Variant type: Deletion.
Coding change: c.1615del on transcript NM_197968.4 (MANE Select); coding-DNA position 1615, one base deleted (T; older notation c.1615delT).
Protein change: p.Cys539fs; shifts the reading frame from cysteine 539.
Molecular consequence: frameshift variant. On other transcripts: non-coding transcript variant (1).
Genome position (GRCh38, 1-based): chr13:20,026,642, T deleted; the last of 2 consecutive T bases (chr13:20,026,641-20,026,642); deleting either gives the same sequence. VCF-style (leftmost placement, unchanged base first): chr13-20026640-GT-G. GRCh37 (hg19) VCF-style: chr13-20600780-GT-G.
Other names: c.1615del, p.Cys539fs (NM_001190964.4, NM_001190965.4, NM_001353157.2 and 5 more transcripts); c.1420del, p.Cys474fs (NM_001353161.3); c.1354del, p.Cys452fs (NM_001353163.2); short protein forms C452fs, C474fs, C539fs.
Identifiers: ClinVar variation 2409857 (VCV002409857.2), dbSNP rs2502981099, ClinGen allele CA2580086775.
Genomic context (GRCh38, chr13:20,026,640, plus strand): 5'-TAAAAATTATCTTTTTATGTTTCAAATTTTAGAAATATGGAAAACTGACAACTTGTACTG[GT>G]TGCCGAACACAGTGCAGGTTTTTTGATATGACTCAGTGTATAGGTCCTAATGGATATATG-3'